The following is an entry in ClinVar:

ClinVar aggregate classification (germline): Uncertain significance (1 of 4 stars; one submission).

Submission:

Labcorp Genetics (formerly Invitae), Labcorp
Classification: Uncertain significance. Last evaluated: 2022-07-19. Review status: criteria provided, single submitter. Criteria: Invitae Variant Classification Sherloc (09022015). Collection method: clinical testing. Allele origin: germline.
Comment: In summary, the available evidence is currently insufficient to determine the role of this variant in disease. Therefore, it has been classified as a Variant of Uncertain Significance. Experimental studies and prediction algorithms are not available or were not evaluated, and the functional significance of this variant is currently unknown. ClinVar contains an entry for this variant (Variation ID: 71669). This variant has not been reported in the literature in individuals affected with COL4A2-related conditions. Information on the frequency of this variant in the gnomAD database is not available, as this variant may be reported differently in the database. This sequence change replaces arginine, which is basic and polar, with cysteine, which is neutral and slightly polar, at codon 1431 of the COL4A2 protein (p.Arg1431Cys).

NM_001846.4(COL4A2):c.4290_4291delinsTT (p.Arg1431Cys)

Genes: COL4A2 (collagen type IV alpha 2 chain; plus strand), COL4A2-AS1 (COL4A2 antisense RNA 1; minus strand). Cytogenetic location: 13q34.
Variant type: Indel.
Coding change: c.4290_4291delinsTT on transcript NM_001846.4 (MANE Select); coding-DNA positions 4290 to 4291, CC replaced by TT.
Protein change: p.Arg1431Cys; replaces arginine 1431 with cysteine.
Molecular consequence: missense variant.
Genome position (GRCh38, 1-based): chr13:110,504,152-110,504,153, CC replaced by TT. VCF-style: chr13-110504152-CC-TT. GRCh37 (hg19) VCF-style: chr13-111156499-CC-TT.
Other names: short protein forms R1431C.
Identifiers: ClinVar variation 1428694 (VCV001428694.6), dbSNP rs2139553984, ClinGen allele CA2573149457.
Genomic context (GRCh38, chr13:110,504,152, plus strand): 5'-CGGCCGTGCCAGGCGTGGTCAGTTTCCAGCCATAACGCTTCTTTGGTGGCTTGCAGGTTT[CC>TT]GTGGGGCTCCAGGGAAAGCTGGGCCCCAAGGAAGAGGTGGTGTGTCTGCTGTTCCCGGCT-3'
Protein context (NP_001837.2, residues 1421-1441): PQGPPGEPGF[Arg1431Cys]GAPGKAGPQG